The following is an entry in ClinVar:

NM_015231.3(NUP160):c.3305G>A (p.Arg1102His)

Gene: NUP160 (nucleoporin 160; minus strand). Cytogenetic location: 11p11.2.
Variant type: single nucleotide variant.
Coding change: c.3305G>A on transcript NM_015231.3 (MANE Select); coding-DNA position 3305, G replaced by A.
Protein change: p.Arg1102His; replaces arginine 1102 with histidine.
Molecular consequence: missense variant. On other transcripts: non-coding transcript variant (1).
Genome position (GRCh38, 1-based): chr11:47,792,829, C>T on the plus strand (G>A on the coding strand, the complement: NUP160 is on the minus strand). VCF-style: chr11-47792829-C-T. GRCh37 (hg19) VCF-style: chr11-47814381-C-T.
Other names: c.3407G>A (NM_015231.1); short protein forms R1102H.
Identifiers: ClinVar variation 2890837 (VCV002890837.4), dbSNP rs753215206, ClinGen allele CA221744529.

ClinVar aggregate classification (germline): Uncertain significance. Review status: criteria provided, multiple submitters, no conflicts (2 of 4 stars). 2 submissions from 2 submitters: Uncertain significance (2). Last evaluated 2025-08-13.

Allele frequency attached by ClinVar (database versions not stated): gnomAD 0.00001; gnomAD exomes 0.00001; TOPMed 0.00001.
gnomAD v4.1: 12 of 1,613,968 alleles (0.00074%); highest among the groups gnomAD compares: Admixed American, 0.005%; no homozygotes.

Submissions (2):

Ambry Genetics
Classification: Uncertain significance. Last evaluated: 2025-08-13. Review status: criteria provided, single submitter. Criteria: Ambry Variant Classification Scheme 2023. Collection method: clinical testing. Allele origin: germline.

Labcorp Genetics (formerly Invitae), Labcorp
Classification: Uncertain significance. Last evaluated: 2023-08-17. Review status: criteria provided, single submitter. Criteria: Invitae Variant Classification Sherloc (09022015). Collection method: clinical testing. Allele origin: germline.
Comment: In summary, the available evidence is currently insufficient to determine the role of this variant in disease. Therefore, it has been classified as a Variant of Uncertain Significance. This sequence change replaces arginine, which is basic and polar, with histidine, which is basic and polar, at codon 1136 of the NUP160 protein (p.Arg1136His). This variant is present in population databases (rs753215206, gnomAD 0.009%). This variant has not been reported in the literature in individuals affected with NUP160-related conditions. An algorithm developed to predict the effect of missense changes on protein structure and function (PolyPhen-2) suggests that this variant is likely to be tolerated.